The following is an entry in ClinVar:

NM_001379270.1(CNGA1):c.1006C>A (p.Pro336Thr)

Genes: CNGA1 (cyclic nucleotide gated channel subunit alpha 1; minus strand), LOC101927157 (uncharacterized LOC101927157; plus strand). Cytogenetic location: 4p12.
Variant type: single nucleotide variant.
Coding change: c.1006C>A on transcript NM_001379270.1 (MANE Select); coding-DNA position 1006, C replaced by A.
Protein change: p.Pro336Thr; replaces proline 336 with threonine.
Molecular consequence: missense variant.
Genome position (GRCh38, 1-based): chr4:47,937,476, G>T on the plus strand (C>A on the coding strand, the complement: CNGA1 is on the minus strand). VCF-style: chr4-47937476-G-T. GRCh37 (hg19) VCF-style: chr4-47939493-G-T.
Other names: c.1006C>A, p.Pro336Thr (NM_000087.5, NM_001142564.2); c.1018C>A (NM_000087.3); short protein forms P336T.
Identifiers: ClinVar variation 1038598 (VCV001038598.7), dbSNP rs759687707, ClinGen allele CA96689180.

ClinVar aggregate classification (germline): Uncertain significance. Review status: criteria provided, multiple submitters, no conflicts (2 of 4 stars). 3 submissions from 3 submitters: Uncertain significance (3). Last evaluated 2024-06-22.

Conditions:
Inborn genetic diseases. Identifiers: MedGen C0950123, MeSH D030342.

Allele frequency attached by ClinVar (database versions not stated): gnomAD exomes below 0.00001 and 0.00005; TOPMed 0.00002; gnomAD 0.00003 and 0.00004.

Submissions (3):

Ambry Genetics
Classification: Uncertain significance for Inborn genetic diseases. Last evaluated: 2024-06-22. Review status: criteria provided, single submitter. Criteria: Ambry Variant Classification Scheme 2023. Collection method: clinical testing. Allele origin: germline.

Blueprint Genetics
Classification: Uncertain significance. Last evaluated: 2022-08-24. Review status: criteria provided, single submitter. Criteria: ACMG Guidelines, 2015. Collection method: clinical testing. Allele origin: germline.

Labcorp Genetics (formerly Invitae), Labcorp
Classification: Uncertain significance. Last evaluated: 2021-08-26. Review status: criteria provided, single submitter. Criteria: Invitae Variant Classification Sherloc (09022015). Collection method: clinical testing. Allele origin: germline.
Comment: This sequence change replaces proline with threonine at codon 340 of the CNGA1 protein (p.Pro340Thr). The proline residue is highly conserved and there is a small physicochemical difference between proline and threonine. This variant is not present in population databases (ExAC no frequency). This variant has not been reported in the literature in individuals affected with CNGA1-related conditions. Algorithms developed to predict the effect of missense changes on protein structure and function are either unavailable or do not agree on the potential impact of this missense change (SIFT: "Tolerated"; PolyPhen-2: "Probably Damaging"; Align-GVGD: "Class C0"). In summary, the available evidence is currently insufficient to determine the role of this variant in disease. Therefore, it has been classified as a Variant of Uncertain Significance.